The following is an entry in ClinVar:

ClinVar aggregate classification (germline): Conflicting classifications of pathogenicity. Review status: criteria provided, conflicting classifications (1 of 4 stars). 4 submissions from 4 submitters: Uncertain significance (3); Likely benign (1). Last evaluated 2026-07-23.

Conditions:
ADGRV1-related disorder. Also called: ADGRV1-related disorders; ADGRV1-related condition.
Inborn genetic diseases. Identifiers: MedGen C0950123, MeSH D030342.

Allele frequency attached by ClinVar (database versions not stated): gnomAD exomes 0.00009 and 0.00010; TOPMed 0.00010; ExAC 0.00011; gnomAD 0.00011; ESP Exome Variant Server 0.00024.
gnomAD v4.1: 167 of 1,613,768 alleles (0.01%); highest among the groups gnomAD compares: Non-Finnish European, 0.012%; no homozygotes.

Submissions (4):

PreventionGenetics, part of Exact Sciences
Classification: Uncertain significance for ADGRV1-related condition. Last evaluated: 2026-07-23. Review status: criteria provided, single submitter. Criteria: ACMG Guidelines, 2015. Collection method: clinical testing. Allele origin: germline.
Comment: The ADGRV1 c.5260A>G variant is predicted to result in the amino acid substitution p.Thr1754Ala. To our knowledge, this variant has not been reported in the literature. This variant is reported in 0.048% of alleles in individuals of Ashkenazi Jewish descent in gnomAD, which may be too frequent to be a primary cause of disease. Although we suspect that this variant may be benign, at this time, the clinical significance of this variant is uncertain due to the absence of conclusive functional and genetic evidence.

Labcorp Genetics (formerly Invitae), Labcorp
Classification: Likely benign. Last evaluated: 2026-01-25. Review status: criteria provided, single submitter. Criteria: Invitae Variant Classification Sherloc (09022015). Collection method: clinical testing. Allele origin: germline.

Ambry Genetics
Classification: Uncertain significance for Inborn genetic diseases. Last evaluated: 2021-06-11. Review status: criteria provided, single submitter. Criteria: Ambry Variant Classification Scheme 2023. Collection method: clinical testing. Allele origin: germline.

GeneDx
Classification: Uncertain significance. Last evaluated: 2021-05-07. Review status: criteria provided, single submitter. Criteria: GeneDx Variant Classification Process June 2021. Collection method: clinical testing. Allele origin: germline. Affected: yes.
Comment: In silico analysis supports that this missense variant does not alter protein structure/function; Has not been previously published as pathogenic or benign to our knowledge

NM_032119.4(ADGRV1):c.5260A>G (p.Thr1754Ala)

Gene: ADGRV1 (adhesion G protein-coupled receptor V1; plus strand). Cytogenetic location: 5q14.3.
Variant type: single nucleotide variant.
Coding change: c.5260A>G on transcript NM_032119.4 (MANE Select); coding-DNA position 5260, A replaced by G.
Protein change: p.Thr1754Ala; replaces threonine 1754 with alanine.
Molecular consequence: missense variant. On other transcripts: non-coding transcript variant (1).
Genome position (GRCh38, 1-based): chr5:90,675,392, A>G. VCF-style: chr5-90675392-A-G. GRCh37 (hg19) VCF-style: chr5-89971209-A-G.
Other names: short protein forms T1754A.
Identifiers: ClinVar variation 968506 (VCV000968506.12), dbSNP rs201186767, ClinGen allele CA3339523.